The following is an entry in ClinVar:

NM_198578.4(LRRK2):c.3949G>T (p.Asp1317Tyr)

Gene: LRRK2 (leucine rich repeat kinase 2; plus strand). Cytogenetic location: 12q12.
Variant type: single nucleotide variant.
Coding change: c.3949G>T on transcript NM_198578.4 (MANE Select); coding-DNA position 3949, G replaced by T.
Protein change: p.Asp1317Tyr; replaces aspartic acid 1317 with tyrosine.
Molecular consequence: missense variant.
Genome position (GRCh38, 1-based): chr12:40,305,956, G>T. VCF-style: chr12-40305956-G-T. GRCh37 (hg19) VCF-style: chr12-40699758-G-T.
Other names: short protein forms D1317Y.
Identifiers: ClinVar variation 3292017 (VCV003292017.1).

ClinVar aggregate classification (germline): Uncertain significance (1 of 4 stars; one submission).

Conditions:
Inborn genetic diseases. Identifiers: MedGen C0950123, MeSH D030342.

gnomAD v4.1: 1 of 1,608,226 alleles (0.000062%); highest among the groups gnomAD compares: Admixed American, 0.0017%; no homozygotes.

Submission:

Ambry Genetics
Classification: Uncertain significance for Inborn genetic diseases. Last evaluated: 2024-05-17. Review status: criteria provided, single submitter. Criteria: Ambry Variant Classification Scheme 2023. Collection method: clinical testing. Allele origin: germline.
Comment: The p.D1317Y variant (also known as c.3949G>T), located in coding exon 28 of the LRRK2 gene, results from a G to T substitution at nucleotide position 3949. The aspartic acid at codon 1317 is replaced by tyrosine, an amino acid with highly dissimilar properties. This amino acid position is conserved. In addition, this alteration is predicted to be deleterious by in silico analysis. Based on the available evidence, the clinical significance of this variant remains unclear.